The following is an entry in ClinVar:

ClinVar aggregate classification (germline): Conflicting classifications of pathogenicity. Review status: criteria provided, conflicting classifications (1 of 4 stars). 9 submissions from 5 submitters: Uncertain significance (6); Likely benign (2). 1 of the submissions does not count toward it. Last evaluated 2023-10-10.

Conditions:
TTN-related disorder. Also called: TTN-related condition; TTN-related disease; TTN-related disorders.
Cardiovascular phenotype. Identifiers: MedGen CN230736.
Early-onset myopathy with fatal cardiomyopathy (CMYO5). Also called: CONGENITAL MYOPATHY 5 WITH CARDIOMYOPATHY; Salih Myopathy. Identifiers: Orphanet 289377, MedGen C2673677, MONDO:0012714, OMIM 611705. Disease mechanism: loss of function.
Myopathy, myofibrillar, 9, with early respiratory failure (MFM9). Also called: Myopathy, distal, with early respiratory failure, autosomal dominant; EDSTROM MYOPATHY; MYOPATHY, PROXIMAL, WITH EARLY RESPIRATORY MUSCLE INVOLVEMENT; Hereditary myopathy with early respiratory failure. Identifiers: Orphanet 178464, Orphanet 34521, MedGen C1863599, MONDO:0011362, OMIM 603689.
Autosomal recessive limb-girdle muscular dystrophy type 2J (LGMDR10). Also called: MUSCULAR DYSTROPHY, LIMB-GIRDLE, AUTOSOMAL RECESSIVE 10; Limb-girdle muscular dystrophy, type 2J. Identifiers: Orphanet 140922, MedGen C1837342, MONDO:0012127, OMIM 608807.
Dilated cardiomyopathy 1G (CMD1G). Identifiers: Orphanet 154, MedGen C1858763, MONDO:0011400, OMIM 604145.
Tibial muscular dystrophy (TMD). Also called: Tibial muscular dystrophy, tardive; Udd Distal Myopathy – Tibial Muscular Dystrophy; UDD MYOPATHY. Identifiers: Orphanet 609, MedGen C1838244, MONDO:0010870, OMIM 600334.

Allele frequency attached by ClinVar (database versions not stated): gnomAD exomes 0.00003 and 0.00004; gnomAD 0.00004 and 0.00009; ExAC 0.00006; TOPMed 0.00006; ESP Exome Variant Server 0.00008; 1000 Genomes Project 30x 0.00047; 1000 Genomes Project 0.00060.

Submissions (9):

Revvity Omics, Revvity
Classification: Uncertain significance. Last evaluated: 2023-10-10. Review status: criteria provided, single submitter. Criteria: ACMG Guidelines, 2015. Collection method: clinical testing. Allele origin: germline.

Ambry Genetics
Classification: Uncertain significance for Cardiovascular phenotype. Last evaluated: 2019-11-08. Review status: criteria provided, single submitter. Criteria: Ambry Variant Classification Scheme 2023. Collection method: clinical testing. Allele origin: germline.
Comment: The p.L26561V variant (also known as c.79681T>G), located in coding exon 187 of the TTN gene, results from a T to G substitution at nucleotide position 79681. The leucine at codon 26561 is replaced by valine, an amino acid with highly similar properties. This amino acid position is highly conserved in available vertebrate species. In addition, this alteration is predicted to be tolerated by in silico analysis. Since supporting evidence is limited at this time, the clinical significance of this alteration remains unclear.

Illumina Laboratory Services, Illumina
Classification: Uncertain significance for Early-onset myopathy with fatal cardiomyopathy. Last evaluated: 2018-01-12. Review status: criteria provided, single submitter. Criteria: ICSL Variant Classification Criteria 13 December 2019. Collection method: clinical testing. Allele origin: germline.

Illumina Laboratory Services, Illumina
Classification: Uncertain significance for Autosomal recessive limb-girdle muscular dystrophy type 2J. Last evaluated: 2018-01-12. Review status: criteria provided, single submitter. Criteria: ICSL Variant Classification Criteria 13 December 2019. Collection method: clinical testing. Allele origin: germline.

Illumina Laboratory Services, Illumina
Classification: Uncertain significance for Dilated cardiomyopathy 1G. Last evaluated: 2018-01-12. Review status: criteria provided, single submitter. Criteria: ICSL Variant Classification Criteria 13 December 2019. Collection method: clinical testing. Allele origin: germline.

Illumina Laboratory Services, Illumina
Classification: Likely benign for Myopathy, myofibrillar, 9, with early respiratory failure. Last evaluated: 2018-01-12. Review status: criteria provided, single submitter. Criteria: ICSL Variant Classification Criteria 13 December 2019. Collection method: clinical testing. Allele origin: germline.
Comment: This variant was observed in the ICSL laboratory as part of a predisposition screen in an ostensibly healthy population. It had not been previously curated by ICSL or reported in the Human Gene Mutation Database (HGMD: prior to June 1st, 2018), and was therefore a candidate for classification through an automated scoring system. Utilizing variant allele frequency, disease prevalence and penetrance estimates, and inheritance mode, an automated score was calculated to assess if this variant is too frequent to cause the disease. Based on the score and internal cut-off values, a variant classified as likely benign is not then subjected to further curation. The score for this variant resulted in a classification of likely benign for this disease.

Illumina Laboratory Services, Illumina
Classification: Likely benign for Tibial muscular dystrophy. Last evaluated: 2018-01-12. Review status: criteria provided, single submitter. Criteria: ICSL Variant Classification Criteria 13 December 2019. Collection method: clinical testing. Allele origin: germline.
Comment: the same text as in the submission from Illumina Laboratory Services, Illumina above.

Laboratory for Molecular Medicine, Mass General Brigham Personalized Medicine
Classification: Uncertain significance. Last evaluated: 2014-06-30. Review status: criteria provided, single submitter. Criteria: LMM Criteria. Collection method: clinical testing. Allele origin: germline. Observed: 1 variant allele.
Comment: Variant classified as Uncertain Significance - Favor Benign. The Leu33058Val var iant in TTN has not been previously reported in individuals with cardiomyopathy, but has been identified in 1/8330 European American chromosomes by the NHLBI Ex ome Sequencing Project (dbSNP rs373152640). C omputational prediction tools and conservation analysis do not provide strong su pport for or against an impact to the protein, though 2 birds and 4 reptiles hav e a valine (Val) at this position, suggesting that this change may be tolerated. In summary, the clinical significance of the Leu33058Val variant is uncertain, though the presence of this variant in other species suggests that it is more li kely to be benign.

PreventionGenetics, part of Exact Sciences
Classification: Uncertain significance for TTN-related condition. Last evaluated: 2023-12-13. Review status: no assertion criteria provided. Collection method: clinical testing. Allele origin: germline. Not counted in ClinVar's aggregate classification.
Comment: The TTN c.106876T>G variant is predicted to result in the amino acid substitution p.Leu35626Val. To our knowledge, this variant has not been reported in the literature. This variant is reported in 0.037% of alleles in individuals of African descent in gnomAD. At this time, the clinical significance of this variant is uncertain due to the absence of conclusive functional and genetic evidence.

NM_001267550.2(TTN):c.106876T>G (p.Leu35626Val)

Genes: TTN-AS1 (TTN antisense RNA 1; plus strand), TTN (titin; minus strand). Cytogenetic location: 2q31.2.
Variant type: single nucleotide variant.
Coding change: c.106876T>G on transcript NM_001267550.2 (MANE Select); coding-DNA position 106876, T replaced by G.
Protein change: p.Leu35626Val; replaces leucine 35626 with valine.
Molecular consequence: missense variant.
Genome position (GRCh38, 1-based): chr2:178,528,875, A>C on the plus strand (T>G on the coding strand, the complement: TTN is on the minus strand). VCF-style: chr2-178528875-A-C. GRCh37 (hg19) VCF-style: chr2-179393602-A-C.
Other names: c.101953T>G, p.Leu33985Val (NM_001256850.1); c.79681T>G, p.Leu26561Val (NM_003319.4); c.80056T>G, p.Leu26686Val (NM_133432.3); c.80257T>G, p.Leu26753Val (NM_133437.4); c.99172T>G, p.Leu33058Val (NM_133378.4); short protein forms L33058V, L35626V, L26561V, L26686V, L26753V, L33985V.
Identifiers: ClinVar variation 178152 (VCV000178152.14), dbSNP rs373152640, ClinGen allele CA181557.
Genomic context (GRCh38, chr2:178,528,875, plus strand): 5'-TAAGCTCTACGCCATTCAGTACCCATTTCACATCAGTGGCACCAGCAATGTTGGCTTTTA[A>C]AACCAGTCTTTGACCTTCGTTTATGCTCATCTGAGTAGAAAATGCTTTAATCTCAGCATG-3'
Protein context (NP_001254479.2, residues 35616-35636): MSINEGQRLV[Leu35626Val]KANIAGATDV